The following is an entry in ClinVar:

ClinVar aggregate classification (germline): Uncertain significance. Review status: criteria provided, multiple submitters, no conflicts (2 of 4 stars). 2 submissions from 2 submitters: Uncertain significance (2). Last evaluated 2025-08-01.

Conditions:
Tumor predisposition syndrome 3 (TPDS3). Also called: Glioma susceptibility 9; LONG TELOMERE SYNDROME, POT1-RELATED; POT1 Tumor Predisposition; Melanoma, cutaneous malignant, susceptibility to, 10. Identifiers: Orphanet 618, MedGen C4014476, MONDO:0014368, OMIM 615848.
Hereditary cancer-predisposing syndrome. Also called: Neoplastic Syndromes, Hereditary; Tumor predisposition; Hereditary Cancer Syndrome; Hereditary neoplastic syndrome. Identifiers: Orphanet 140162, MedGen C0027672, MeSH D009386, MONDO:0015356.

Allele frequency attached by ClinVar (database versions not stated): gnomAD exomes below 0.00001 and 0.00001.
gnomAD v4.1: 3 of 1,595,034 alleles (0.00019%); highest among the groups gnomAD compares: Non-Finnish European, 0.00026%; no homozygotes.

Submissions (2):

Ambry Genetics
Classification: Uncertain significance for Hereditary cancer-predisposing syndrome. Last evaluated: 2025-08-01. Review status: criteria provided, single submitter. Criteria: Ambry Variant Classification Scheme 2023. Collection method: clinical testing. Allele origin: germline.
Comment: The p.T187A variant (also known as c.559A>G), located in coding exon 5 of the POT1 gene, results from an A to G substitution at nucleotide position 559. The threonine at codon 187 is replaced by alanine, an amino acid with similar properties. This amino acid position is conserved. In addition, the in silico prediction for this alteration is inconclusive. Since supporting evidence is limited at this time, the clinical significance of this alteration remains unclear.

Labcorp Genetics (formerly Invitae), Labcorp
Classification: Uncertain significance for Tumor predisposition syndrome 3. Last evaluated: 2023-12-13. Review status: criteria provided, single submitter. Criteria: Invitae Variant Classification Sherloc (09022015). Collection method: clinical testing. Allele origin: germline.
Comment: This sequence change replaces threonine, which is neutral and polar, with alanine, which is neutral and non-polar, at codon 187 of the POT1 protein (p.Thr187Ala). This variant is not present in population databases (gnomAD no frequency). This variant has not been reported in the literature in individuals affected with POT1-related conditions. ClinVar contains an entry for this variant (Variation ID: 945810). Advanced modeling of protein sequence and biophysical properties (such as structural, functional, and spatial information, amino acid conservation, physicochemical variation, residue mobility, and thermodynamic stability) performed at Invitae indicates that this missense variant is not expected to disrupt POT1 protein function with a negative predictive value of 80%. In summary, the available evidence is currently insufficient to determine the role of this variant in disease. Therefore, it has been classified as a Variant of Uncertain Significance.

NM_015450.3(POT1):c.559A>G (p.Thr187Ala)

Gene: POT1 (protection of telomeres 1; minus strand). Cytogenetic location: 7q31.33.
Variant type: single nucleotide variant.
Coding change: c.559A>G on transcript NM_015450.3 (MANE Select); coding-DNA position 559, A replaced by G.
Protein change: p.Thr187Ala; replaces threonine 187 with alanine.
Molecular consequence: missense variant. On other transcripts: non-coding transcript variant (3).
Genome position (GRCh38, 1-based): chr7:124,859,100, T>C on the plus strand (A>G on the coding strand, the complement: POT1 is on the minus strand). VCF-style: chr7-124859100-T-C. GRCh37 (hg19) VCF-style: chr7-124499154-T-C.
Other names: c.166A>G, p.Thr56Ala (NM_001042594.2); short protein forms T56A, T187A.
Identifiers: ClinVar variation 945810 (VCV000945810.8), dbSNP rs1562990976, ClinGen allele CA369056805.